The following is an entry in ClinVar:

ClinVar aggregate classification (germline): Uncertain significance (1 of 4 stars; one submission).

Submission:

Ambry Genetics
Classification: Uncertain significance. Last evaluated: 2026-06-17. Review status: criteria provided, single submitter. Criteria: Ambry Variant Classification Scheme 2023. Collection method: clinical testing. Allele origin: germline.
Comment: The p.R1029S variant (also known as c.3087A>T), located in coding exon 1 of the MLH3 gene, results from an A to T substitution at nucleotide position 3087. The arginine at codon 1029 is replaced by serine, an amino acid with dissimilar properties. This amino acid position is conserved. In addition, this alteration is predicted to be tolerated by in silico analysis. Based on the available evidence, the clinical significance of this variant remains unclear.

NM_001040108.2(MLH3):c.3087A>T (p.Arg1029Ser)

Gene: MLH3 (mutL homolog 3; minus strand). Cytogenetic location: 14q24.3.
Variant type: single nucleotide variant.
Coding change: c.3087A>T on transcript NM_001040108.2 (MANE Select); coding-DNA position 3087, A replaced by T.
Protein change: p.Arg1029Ser; replaces arginine 1029 with serine.
Molecular consequence: missense variant.
Genome position (GRCh38, 1-based): chr14:75,046,569, T>A on the plus strand (A>T on the coding strand, the complement: MLH3 is on the minus strand). VCF-style: chr14-75046569-T-A. GRCh37 (hg19) VCF-style: chr14-75513272-T-A.
Other names: c.3087A>T, p.Arg1029Ser (NM_014381.3); short protein forms R1029S.
Identifiers: ClinVar variation 5024567 (VCV005024567.1).